The following is an entry in ClinVar:

ClinVar aggregate classification (germline): Conflicting classifications of pathogenicity. Review status: criteria provided, conflicting classifications (1 of 4 stars). 2 submissions from 2 submitters: Likely pathogenic (1); Uncertain significance (1). Last evaluated 2024-01-22.

Conditions:
CNGA1-related disorder. Also called: CNGA1-related condition.

Allele frequency attached by ClinVar (database versions not stated): gnomAD exomes 0.00001.
gnomAD v4.1: 3 of 1,599,746 alleles (0.00019%); highest among the groups gnomAD compares: South Asian, 0.0033%; no homozygotes.

Submissions (2):

Labcorp Genetics (formerly Invitae), Labcorp
Classification: Uncertain significance. Last evaluated: 2024-01-22. Review status: criteria provided, single submitter. Criteria: Invitae Variant Classification Sherloc (09022015). Collection method: clinical testing. Allele origin: germline.
Comment: This sequence change affects an acceptor splice site in intron 10 of the CNGA1 gene. While this variant is not anticipated to result in nonsense mediated decay, it likely alters RNA splicing and results in a disrupted protein product. This variant is present in population databases (no rsID available, gnomAD 0.003%). This variant has not been reported in the literature in individuals affected with CNGA1-related conditions. Variants that disrupt the consensus splice site are a relatively common cause of aberrant splicing (PMID: 17576681, 9536098). Algorithms developed to predict the effect of sequence changes on RNA splicing suggest that this variant may disrupt the consensus splice site. In summary, the available evidence is currently insufficient to determine the role of this variant in disease. Therefore, it has been classified as a Variant of Uncertain Significance.

Blueprint Genetics
Classification: Likely pathogenic for CNGA1-related disorders. Last evaluated: 2023-06-30. Review status: criteria provided, single submitter. Criteria: ACMG Guidelines, 2015. Collection method: clinical testing. Allele origin: germline. Affected: yes. Observed: 1 variant allele.

Literature cited by the submitters: PubMed 17576681 (cited by Labcorp Genetics (formerly Invitae), Labcorp); PubMed 9536098 (cited by Labcorp Genetics (formerly Invitae), Labcorp).

NM_001379270.1(CNGA1):c.653-1G>T

Genes: CNGA1 (cyclic nucleotide gated channel subunit alpha 1; minus strand), LOC101927157 (uncharacterized LOC101927157; plus strand). Cytogenetic location: 4p12.
Variant type: single nucleotide variant.
Coding change: c.653-1G>T on transcript NM_001379270.1 (MANE Select); the canonical splice acceptor site of the intron before coding-DNA position 653, G replaced by T.
Molecular consequence: splice acceptor variant.
Genome position (GRCh38, 1-based): chr4:47,937,830, C>A on the plus strand (G>T on the coding strand, the complement: CNGA1 is on the minus strand). VCF-style: chr4-47937830-C-A. GRCh37 (hg19) VCF-style: chr4-47939847-C-A.
Other names: c.653-1G>T (NM_000087.5, NM_001142564.2).
Identifiers: ClinVar variation 2710736 (VCV002710736.4), dbSNP rs1279855111, ClinGen allele CA356828989.
Genomic context (GRCh38, chr4:47,937,830, plus strand): 5'-ATTTATATTTATTTATGAGTTTAAGTTCTTCCTTTACCAGCAGTCCTTGTTCTAGGTAAC[C>A]TAAAATAGAAAATAAAATCAATTCAGTGTTTCTCCTTTTTATGTCATTGTGAATTTTTGT-3'